The following is an entry in ClinVar:

NM_020975.6(RET):c.2872G>C (p.Glu958Gln)

Gene: RET (ret proto-oncogene; plus strand). Cytogenetic location: 10q11.21.
Variant type: single nucleotide variant.
Coding change: c.2872G>C on transcript NM_020975.6 (MANE Select); coding-DNA position 2872, G replaced by C.
Protein change: p.Glu958Gln; replaces glutamic acid 958 with glutamine.
Molecular consequence: missense variant.
Genome position (GRCh38, 1-based): chr10:43,123,741, G>C. VCF-style: chr10-43123741-G-C. GRCh37 (hg19) VCF-style: chr10-43619189-G-C.
Other names: c.2584G>C, p.Glu862Gln (NM_001406766.1, NM_001406767.1, NM_001406770.1); c.2608G>C, p.Glu870Gln (NM_001406768.1); c.2476G>C, p.Glu826Gln (NM_001406769.1, NM_001406772.1); c.2434G>C, p.Glu812Gln (NM_001406771.1, NM_001406773.1); c.2347G>C, p.Glu783Gln (NM_001406774.1); c.2146G>C, p.Glu716Gln (NM_001406775.1, NM_001406776.1, NM_001406777.1 and 1 more transcripts); c.1855G>C, p.Glu619Gln (NM_001406785.1); c.1846G>C, p.Glu616Gln (NM_001406786.1, NM_001406783.1); and 10 more; short protein forms E619Q, E628Q, E704Q, E870Q, E913Q, E523Q, E812Q, E862Q.
Identifiers: ClinVar variation 2119281 (VCV002119281.4), dbSNP rs2133005557, ClinGen allele CA376557859.
Genomic context (GRCh38, chr10:43,123,741, plus strand): 5'-GGTGTCCTGCTGTGGGAGATCGTGACCCTAGGGGGAAACCCCTATCCTGGGATTCCTCCT[G>C]AGCGGCTCTTCAACCTTCTGAAGACCGGCCACCGGATGGAGAGGCCAGACAACTGCAGCG-3'
Protein context (NP_066124.1, residues 948-968): GGNPYPGIPP[Glu958Gln]RLFNLLKTGH

ClinVar aggregate classification (germline): Uncertain significance (1 of 4 stars; one submission).

Conditions:
Multiple endocrine neoplasia, type 2 (MEN2). Identifiers: Orphanet 653, MedGen C4048306, MONDO:0019003. Disease mechanism: gain of function.

Submission:

Labcorp Genetics (formerly Invitae), Labcorp
Classification: Uncertain significance for Multiple endocrine neoplasia, type 2. Last evaluated: 2022-03-29. Review status: criteria provided, single submitter. Criteria: Invitae Variant Classification Sherloc (09022015). Collection method: clinical testing. Allele origin: germline.
Comment: This sequence change replaces glutamic acid, which is acidic and polar, with glutamine, which is neutral and polar, at codon 958 of the RET protein (p.Glu958Gln). This variant is not present in population databases (gnomAD no frequency). This variant has not been reported in the literature in individuals affected with RET-related conditions. Algorithms developed to predict the effect of missense changes on protein structure and function are either unavailable or do not agree on the potential impact of this missense change (SIFT: "Tolerated"; PolyPhen-2: "Probably Damaging"; Align-GVGD: "Class C0"). In summary, the available evidence is currently insufficient to determine the role of this variant in disease. Therefore, it has been classified as a Variant of Uncertain Significance.